The following is an entry in ClinVar:

ClinVar aggregate classification (germline): Conflicting classifications of pathogenicity. Review status: criteria provided, conflicting classifications (1 of 4 stars). 15 submissions from 15 submitters: Uncertain significance (2); Benign (1); Likely benign (10). 2 of the submissions do not count toward it. Last evaluated 2026-03-23.

Conditions:
TSC2-related disorder. Also called: TSC2-Related Disorders; TSC2-related condition.
Hereditary cancer-predisposing syndrome. Also called: Tumor predisposition; Neoplastic Syndromes, Hereditary; Hereditary Cancer Syndrome; Hereditary neoplastic syndrome. Identifiers: Orphanet 140162, MedGen C0027672, MeSH D009386, MONDO:0015356.
Tuberous sclerosis syndrome (TSC). Also called: Tuberous Sclerosis Complex; Tuberous sclerosis. Identifiers: Orphanet 805, MedGen C0041341, MONDO:0001734.
Tuberous sclerosis 2 (TSC2). Identifiers: Orphanet 805, MedGen C1860707, MONDO:0013199, OMIM 613254.

Allele frequency attached by ClinVar (database versions not stated): gnomAD exomes 0.00006 and 0.00005; ESP Exome Variant Server 0.00008; TOPMed 0.00016; ExAC 0.00003.

Submissions (15):

PreventionGenetics, part of Exact Sciences
Classification: Likely benign for TSC2-related condition. Last evaluated: 2026-03-23. Review status: criteria provided, single submitter. Criteria: ACMG Guidelines, 2015. Collection method: clinical testing. Allele origin: germline.
Comment: This variant is classified as likely benign based on ACMG/AMP sequence variant interpretation guidelines (Richards et al. 2015 PMID: 25741868, with internal and published modifications).

Labcorp Genetics (formerly Invitae), Labcorp
Classification: Benign for Tuberous sclerosis 2. Last evaluated: 2026-01-31. Review status: criteria provided, single submitter. Criteria: Invitae Variant Classification Sherloc (09022015). Collection method: clinical testing. Allele origin: germline.

Myriad Genetics, Inc.
Classification: Likely benign for Tuberous sclerosis 2. Last evaluated: 2025-05-13. Review status: criteria provided, single submitter. Criteria: Myriad Autosomal Dominant, Autosomal Recessive and X-Linked Classification Criteria (2023). Collection method: clinical testing. Allele origin: unknown.
Comment: This variant is considered likely benign. This variant has been observed at a population frequency that is significantly greater than expected given the associated disease prevalence and penetrance.

CeGaT Center for Human Genetics Tuebingen
Classification: Likely benign. Last evaluated: 2025-03-01. Review status: criteria provided, single submitter. Criteria: CeGaT Center For Human Genetics Tuebingen Variant Classification Criteria Version 2. Collection method: clinical testing. Allele origin: germline. Affected: yes. Observed: 1 variant allele.
Comment: TSC2: BP4

Laboratory of Genetics, Children's Clinical University Hospital Latvia
Classification: Likely benign. Last evaluated: 2025-02-16. Review status: criteria provided, single submitter. Criteria: ACMG Guidelines, 2015. Collection method: clinical testing. Allele origin: germline. Affected: yes.

All of Us Research Program, National Institutes of Health
Classification: Likely benign for Tuberous sclerosis syndrome. Last evaluated: 2024-09-25. Review status: criteria provided, single submitter. Criteria: ACMG Guidelines, 2015. Collection method: clinical testing. Allele origin: germline. Inheritance: Autosomal dominant inheritance. Observed: 34 variant alleles, 34 heterozygotes.
Comment: This study involves interpretation of variants in research participants for the purpose of population health screening. Participant phenotype was not available at the time of variant classification. Additional details can be found in publication PMID: 35346344, PMCID: PMC8962531

Clinical Genomics Laboratory, Washington University in St. Louis
Classification: Uncertain significance for Tuberous sclerosis 2. Last evaluated: 2024-08-13. Review status: criteria provided, single submitter. Criteria: ACMG Guidelines, 2015. Collection method: clinical testing. Allele origin: germline.
Comment: A TSC2 c.1340C>T (p.Ala447Val) variant was identified at a near heterozygous allelic fraction of 47.3%, a frequency which may be consistent with it being of germline origin. This variant has been reported as a variant of uncertain significance in an individual affected with tuberous sclerosis complex (Hoogeveen-Westerveld M et al., PMID: 22903760) and it has been reported in a somatic state in one case in the cancer database COSMIC (Genomic Mutation ID: COSV105872688). This variant has been reported in the ClinVar database as a variant of uncertain significance by two submitters and a benign/likely benign variant by five submitters (ClinVar ID: 41727). The TSC2 c.1340C>T (p.Ala447Val) variant is only observed on 108/1,610,336 alleles in the general population (gnomAD v4.1.0). Computational predictors are uncertain as to the impact of this variant on TSC2 function. Due to limited information, and based on ACMG/AMP guidelines for variant interpretation (Richards S et al., PMID: 25741868), the clinical significance of the TSC2 c.1340C>T (p.Ala447Val) variant is uncertain at this time.

Color Diagnostics, LLC DBA Color Health
Classification: Likely benign for Tuberous sclerosis syndrome. Last evaluated: 2022-08-16. Review status: criteria provided, single submitter. Criteria: ACMG Guidelines, 2015. Collection method: clinical testing. Allele origin: germline.

Genome-Nilou Lab
Classification: Likely benign for Tuberous sclerosis 2. Last evaluated: 2021-11-07. Review status: criteria provided, single submitter. Criteria: ACMG Guidelines, 2015. Collection method: clinical testing. Allele origin: germline. Affected: no.

Sema4
Classification: Likely benign for Hereditary cancer-predisposing syndrome. Last evaluated: 2021-06-16. Review status: criteria provided, single submitter. Criteria: Sema4 Curation Guidelines. Collection method: curation. Allele origin: germline.

GeneDx
Classification: Likely benign. Last evaluated: 2020-12-15. Review status: criteria provided, single submitter. Criteria: GeneDx Variant Classification Process June 2021. Collection method: clinical testing. Allele origin: germline. Affected: yes.
Comment: This variant is associated with the following publications: (PMID: 22703879, 22903760)

Ambry Genetics
Classification: Likely benign for Hereditary cancer-predisposing syndrome. Last evaluated: 2019-01-30. Review status: criteria provided, single submitter. Criteria: Ambry Variant Classification Scheme 2023. Collection method: clinical testing. Allele origin: germline.

Eurofins Ntd Llc (ga)
Classification: Uncertain significance. Last evaluated: 2015-04-13. Review status: criteria provided, single submitter. Criteria: EGL Classification Definitions 2015. Collection method: clinical testing. Allele origin: germline. Observed: 1 variant allele, 1 heterozygote.

Biesecker Lab/Clinical Genomics Section, National Institutes of Health
Classification: Uncertain significance. Last evaluated: 2012-07-13. Review status: no assertion criteria provided. Collection method: research. Allele origin: germline. Affected: no. Observed: 1 variant allele. Study: ClinSeq. Not counted in ClinVar's aggregate classification.
ClinVar note: Converted during submission from variant of unknown significance to Uncertain significance.

Tuberous sclerosis database (TSC2)
No classification provided. Condition: TSC. Review status: no classification provided. Criteria: Tuberous Sclerosis Database Assertion Criteria 2015. Collection method: curation. Allele origin: germline. Affected: yes. Not counted in ClinVar's aggregate classification.

Literature cited by the submitters: PubMed 22903760 (cited by Sema4 and Ambry Genetics).

NM_000548.5(TSC2):c.1340C>T (p.Ala447Val)

Gene: TSC2 (TSC complex subunit 2; plus strand). Cytogenetic location: 16p13.3.
Variant type: single nucleotide variant.
Coding change: c.1340C>T on transcript NM_000548.5 (MANE Select); coding-DNA position 1340, C replaced by T.
Protein change: p.Ala447Val; replaces alanine 447 with valine.
Molecular consequence: missense variant.
Genome position (GRCh38, 1-based): chr16:2,062,579, C>T. VCF-style: chr16-2062579-C-T. GRCh37 (hg19) VCF-style: chr16-2112580-C-T.
Other names: c.1340C>T, p.Ala447Val (NM_001077183.3, NM_001114382.3, NM_001363528.2 and 3 more transcripts); c.1229C>T, p.Ala410Val (NM_001318827.2); c.1193C>T, p.Ala398Val (NM_001318829.2); c.740C>T, p.Ala247Val (NM_001318831.2); c.1373C>T, p.Ala458Val (NM_001318832.2); c.1340C>T (NM_000548.4); short protein forms A447V, A247V, A410V, A398V, A458V.
Identifiers: ClinVar variation 41727 (VCV000041727.55), dbSNP rs45486591, ClinGen allele CA014447.
Genomic context (GRCh38, chr16:2,062,579, plus strand): 5'-TCTCCTATAGAGCGCAGTCCATCCACCCGGCCAAGGACGGCTGGATTCAGAACCTGCAGG[C>T]GCTGATGGAGAGATTCTTCAGGTAGGGGGTCCTCTGTAGCCTTGCCTGGCACCTGGAGCC-3'
Protein context (NP_000539.2, residues 437-457): AKDGWIQNLQ[Ala447Val]LMERFFRSES